The following is an entry in ClinVar:

NM_017947.4(MOCOS):c.493del (p.Ala164_Ile165insTer)

Gene: MOCOS (molybdenum cofactor sulfurase; plus strand). Cytogenetic location: 18q12.2.
Variant type: Deletion.
Coding change: c.493del on transcript NM_017947.4 (MANE Select); coding-DNA position 493, one base deleted (A; older notation c.493delA).
Protein change: p.Ala164_Ile165insTer.
Molecular consequence: nonsense.
Genome position (GRCh38, 1-based): chr18:36,199,876, A deleted. VCF-style (leftmost placement, unchanged base first): chr18-36199875-TA-T. GRCh37 (hg19) VCF-style: chr18-33779838-TA-T.
Identifiers: ClinVar variation 2636897 (VCV002636897.1), dbSNP rs2511390167, ClinGen allele CA2695200390.

ClinVar aggregate classification (germline): Likely pathogenic (1 of 4 stars; one submission).

Conditions:
MOCOS-related disorder. Also called: MOCOS-related condition.

Submission:

PreventionGenetics, part of Exact Sciences
Classification: Likely pathogenic for MOCOS-related condition. Last evaluated: 2023-05-30. Review status: criteria provided, single submitter. Criteria: ACMG Guidelines, 2015. Collection method: clinical testing. Allele origin: germline.
Comment: The MOCOS c.493delA variant is predicted to result in premature protein termination (p.Ile165*). To our knowledge, this variant has not been reported in the literature or in a large population database, indicating this variant is rare. Nonsense variants in MOCOS are expected to be pathogenic. This variant is interpreted as likely pathogenic.